The following is an entry in ClinVar:

ClinVar aggregate classification (germline): Likely benign (1 of 4 stars; one submission).

Submission:

CeGaT Center for Human Genetics Tuebingen
Classification: Likely benign. Last evaluated: 2026-01-01. Review status: criteria provided, single submitter. Criteria: CeGaT Center For Human Genetics Tuebingen Variant Classification Criteria Version 2. Collection method: clinical testing. Allele origin: germline. Affected: yes. Observed: 1 variant allele.
Comment: MAFF: BP4, BP7

NM_012323.4(MAFF):c.189C>T (p.Gly63=)

Gene: MAFF (MAF bZIP transcription factor F; plus strand). Cytogenetic location: 22q13.1.
Variant type: single nucleotide variant.
Coding change: c.189C>T on transcript NM_012323.4 (MANE Select); coding-DNA position 189, C replaced by T.
Protein change: p.Gly63=; no amino-acid change (glycine 63 retained).
Molecular consequence: synonymous variant.
Genome position (GRCh38, 1-based): chr22:38,214,572, C>T. VCF-style: chr22-38214572-C-T. GRCh37 (hg19) VCF-style: chr22-38610579-C-T.
Other names: c.189C>T, p.Gly63= (NM_001161572.2, NM_001161573.1); c.102C>T, p.Gly34= (NM_001161574.2).
Identifiers: ClinVar variation 4823044 (VCV004823044.4).